The following is an entry in ClinVar:

NM_000528.4(MAN2B1):c.2398G>T (p.Gly800Trp)

Gene: MAN2B1 (mannosidase alpha class 2B member 1; minus strand). Cytogenetic location: 19p13.13.
Variant type: single nucleotide variant.
Coding change: c.2398G>T on transcript NM_000528.4 (MANE Select); coding-DNA position 2398, G replaced by T.
Protein change: p.Gly800Trp; replaces glycine 800 with tryptophan.
Molecular consequence: missense variant.
Genome position (GRCh38, 1-based): chr19:12,649,174, C>A on the plus strand (G>T on the coding strand, the complement: MAN2B1 is on the minus strand). VCF-style: chr19-12649174-C-A. GRCh37 (hg19) VCF-style: chr19-12759988-C-A.
Other names: c.2395G>T, p.Gly799Trp (NM_001173498.2); short protein forms G800W, G799W.
Identifiers: ClinVar variation 208274 (VCV000208274.2), dbSNP rs398123456, ClinGen allele CA351030.
Genomic context (GRCh38, chr19:12,649,174, plus strand): 5'-GATGGGGCTCTGACCCACTCACCATGAGCTCCAGCGAGCCATCTCTCAGGCTGCTGCCCC[C>A]CTGGGAGCGGTCAGTCAGCACAGTCAGCTGCATGTTTCCATCCTGGGAGTTGAAGGGTGA-3'
Protein context (NP_000519.2, residues 790-810): QLTVLTDRSQ[Gly800Trp]GSSLRDGSLE

ClinVar aggregate classification (germline): Likely pathogenic. Review status: criteria provided, single submitter (1 of 4 stars). 2 submissions from 2 submitters: Likely pathogenic (1). 1 of the submissions does not count toward it. Last evaluated 2025-01-22.

Conditions:
Deficiency of alpha-mannosidase (MANSA). Also called: LYSOSOMAL ALPHA-D-MANNOSIDASE DEFICIENCY; Mannosidosis, alpha-, types I and II; Alpha-Mannosidosis. Identifiers: Orphanet 61, MedGen C0024748, MONDO:0009561, OMIM 248500.

Allele frequency attached by ClinVar (database versions not stated): gnomAD 0.00001; 1000 Genomes Project 0.00020; 1000 Genomes Project 30x 0.00031.
gnomAD v4.1: 7 of 1,612,740 alleles (0.00043%); highest among the groups gnomAD compares: African/African-American, 0.0013%; no homozygotes.

Submissions (2):

Natera, Inc.
Classification: Likely pathogenic for Alpha-mannosidosis. Last evaluated: 2025-01-22. Review status: criteria provided, single submitter. Criteria: Natera Variant Classification Schema (03/2026). Collection method: clinical testing. Allele origin: germline.
Comment: The c.2398G>T variant in MAN2B1 is a missense variant predicted to cause substitution of glycine to tryptophan at amino acid 800. This variant is rare in the general population with a frequency below the threshold expected for the associated phenotype(s). This variant has been observed in one or more individuals affected with the associated recessive disease, as either homozygous or compound heterozygous with a second variant (PMID: 22161967, 31241255, 26048034). Functional studies show that this variant may disrupt protein function (PMID: 22161967). Computational prediction algorithms indicate this variant is likely to affect gene or protein function. Given the available evidence, this variant is classified as Likely Pathogenic.

ClinVar Staff, National Center for Biotechnology Information (NCBI)
Classification: Uncertain significance for Deficiency of alpha-mannosidase. Last evaluated: 2012-06-07. Review status: no assertion criteria provided. Collection method: literature only. Allele origin: germline. Affected: yes. Not counted in ClinVar's aggregate classification.

Literature cited by the submitters: PubMed 22161967 (cited by Natera, Inc. and ClinVar Staff, National Center for Biotechnology Information (NCBI)); PubMed 31241255 (cited by Natera, Inc.); PubMed 26048034 (cited by Natera, Inc.).